The following is an entry in ClinVar:

ClinVar aggregate classification (germline): Pathogenic (1 of 4 stars; one submission).

Conditions:
Early-infantile DEE. Also called: Early infantile epileptic encephalopathy; Early infantile epileptic encephalopathy with suppression bursts; Ohtahara syndrome. Identifiers: Orphanet 1934, MedGen C0393706, MONDO:0800491.

Submission:

Labcorp Genetics (formerly Invitae), Labcorp
Classification: Pathogenic for Early-infantile DEE. Last evaluated: 2017-10-30. Review status: criteria provided, single submitter. Criteria: Invitae Variant Classification Sherloc (09022015). Collection method: clinical testing. Allele origin: germline.
Comment: This sequence change results in a premature translational stop signal in the SCN1A gene (p.Ala1919Leufs*13). While this is not anticipated to result in nonsense mediated decay, it is expected to disrupt the last 91 amino acids of the SCN1A protein. This variant is not present in population databases (ExAC no frequency). This variant has not been reported in the literature in individuals with SCN1A-related disease. A different truncation (p.Arg1924Leufs*8) that lies downstream of this variant has been determined to be pathogenic (PMID: 27465585). This suggests that deletion of this region of the SCN1A protein is causative of disease. For these reasons, this variant has been classified as Pathogenic.

Literature cited by the submitters: PubMed 27465585.

NM_001165963.4(SCN1A):c.5754del (p.Ala1919fs)

Genes: SCN1A (sodium voltage-gated channel alpha subunit 1; minus strand), LOC102724058 (uncharacterized LOC102724058; plus strand). Cytogenetic location: 2q24.3.
Variant type: Deletion.
Coding change: c.5754del on transcript NM_001165963.4 (MANE Select); coding-DNA position 5754, one base deleted (T; older notation c.5754delT).
Protein change: p.Ala1919fs; shifts the reading frame from alanine 1919.
Molecular consequence: frameshift variant. On other transcripts: non-coding transcript variant (1).
Genome position (GRCh38, 1-based): chr2:165,991,521, A deleted on the plus strand (T on the coding strand, the reverse complement: SCN1A is on the minus strand). VCF-style (leftmost placement, unchanged base first): chr2-165991520-CA-C. GRCh37 (hg19) VCF-style: chr2-166848030-CA-C.
Other names: c.5670del, p.Ala1891fs (NM_001165964.3, NM_001353957.2, NM_001353958.2); c.5754del, p.Ala1919fs (NM_001202435.3, NM_001353948.2); c.5721del, p.Ala1908fs (NM_001353949.2, NM_001353950.2, NM_001353951.2 and 2 more transcripts); c.5718del, p.Ala1907fs (NM_001353954.2, NM_001353955.2); c.5667del, p.Ala1890fs (NM_001353960.2); c.3312del, p.Ala1105fs (NM_001353961.2); short protein forms A1919fs, A1890fs, A1891fs, A1105fs, A1907fs, A1908fs.
Identifiers: ClinVar variation 530503 (VCV000530503.9), dbSNP rs1553519872, ClinGen allele CA658795912.
Genomic context (GRCh38, chr2:165,991,520, plus strand): 5'-AAGCTTGTTTTACAGTTCGCTTTAAAAGGTGGCGTCTGTAAGCACGCTGAATAATGACAG[CA>C]GATACTTCCTCTTGTTTTCGTTTTAAAGTAGTAGTGATTGGCTGATAGGAGACCTTGGAA-3'